The following is an entry in ClinVar:

NM_003742.4(ABCB11):c.3800G>A (p.Gly1267Asp)

Gene: ABCB11 (ATP binding cassette subfamily B member 11; minus strand). Cytogenetic location: 2q31.1.
Variant type: single nucleotide variant.
Coding change: c.3800G>A on transcript NM_003742.4 (MANE Select); coding-DNA position 3800, G replaced by A.
Protein change: p.Gly1267Asp; replaces glycine 1267 with aspartic acid.
Molecular consequence: missense variant.
Genome position (GRCh38, 1-based): chr2:168,923,788, C>T on the plus strand (G>A on the coding strand, the complement: ABCB11 is on the minus strand). VCF-style: chr2-168923788-C-T. GRCh37 (hg19) VCF-style: chr2-169780298-C-T.
Other names: short protein forms G1267D.
Identifiers: ClinVar variation 2662478 (VCV002662478.2), dbSNP rs2545224540, ClinGen allele CA349117343.

ClinVar aggregate classification (germline): Uncertain significance (1 of 4 stars; one submission).

Submission:

GeneDx
Classification: Uncertain significance. Last evaluated: 2025-10-01. Review status: criteria provided, single submitter. Criteria: GeneDx Variant Classification Process June 2021. Collection method: clinical testing. Allele origin: germline.
Comment: Not observed at significant frequency in large population cohorts (gnomAD); In silico analysis supports that this missense variant has a deleterious effect on protein structure/function; Has not been previously published as pathogenic or benign to our knowledge